The following is an entry in ClinVar:

NM_053025.4(MYLK):c.992C>T (p.Thr331Met)

Gene: MYLK (myosin light chain kinase; minus strand). Cytogenetic location: 3q21.1.
Variant type: single nucleotide variant.
Coding change: c.992C>T on transcript NM_053025.4 (MANE Select); coding-DNA position 992, C replaced by T.
Protein change: p.Thr331Met; replaces threonine 331 with methionine.
Molecular consequence: missense variant.
Genome position (GRCh38, 1-based): chr3:123,734,004, G>A on the plus strand (C>T on the coding strand, the complement: MYLK is on the minus strand). VCF-style: chr3-123734004-G-A. GRCh37 (hg19) VCF-style: chr3-123452851-G-A.
Other names: c.464C>T, p.Thr155Met (NM_001321309.2); c.992C>T, p.Thr331Met (NM_053026.4, NM_053027.4, NM_053028.4); short protein forms T331M, T155M.
Identifiers: ClinVar variation 429284 (VCV000429284.15), dbSNP rs371825849, ClinGen allele CA073817.

ClinVar aggregate classification (germline): Uncertain significance. Review status: criteria provided, multiple submitters, no conflicts (2 of 4 stars). 5 submissions from 5 submitters: Uncertain significance (5). Last evaluated 2025-08-17.

Conditions:
Megacystis-microcolon-intestinal hypoperistalsis syndrome 1. Identifiers: MedGen C5542316, MONDO:0100354, OMIM 249210.
Aortic aneurysm, familial thoracic 7 (AAT7). Also called: AORTIC DISSECTION, FAMILIAL, WITH OR WITHOUT AORTIC ANEURYSM. Identifiers: MedGen C3151077, MONDO:0013418, OMIM 613780.
Familial thoracic aortic aneurysm and aortic dissection (TAAD). Also called: Thoracic aortic aneurysms and dissections. Identifiers: Orphanet 91387, MedGen C4707243, MONDO:0019625.

Allele frequency attached by ClinVar (database versions not stated): ExAC 0.00004; TOPMed 0.00010; ESP Exome Variant Server 0.00015.
gnomAD v4.1: 50 of 1,614,074 alleles (0.0031%); highest among the groups gnomAD compares: African/African-American, 0.019%; no homozygotes.

Submissions (5):

Labcorp Genetics (formerly Invitae), Labcorp
Classification: Uncertain significance for Aortic aneurysm, familial thoracic 7. Last evaluated: 2025-08-17. Review status: criteria provided, single submitter. Criteria: Invitae Variant Classification Sherloc (09022015). Collection method: clinical testing. Allele origin: germline.
Comment: This sequence change replaces threonine, which is neutral and polar, with methionine, which is neutral and non-polar, at codon 331 of the MYLK protein (p.Thr331Met). This variant is present in population databases (rs371825849, gnomAD 0.03%). This variant has not been reported in the literature in individuals affected with MYLK-related conditions. ClinVar contains an entry for this variant (Variation ID: 429284). Invitae Evidence Modeling of protein sequence and biophysical properties (such as structural, functional, and spatial information, amino acid conservation, physicochemical variation, residue mobility, and thermodynamic stability) indicates that this missense variant is not expected to disrupt MYLK protein function with a negative predictive value of 95%. In summary, the available evidence is currently insufficient to determine the role of this variant in disease. Therefore, it has been classified as a Variant of Uncertain Significance.

GeneDx
Classification: Uncertain significance. Last evaluated: 2025-03-18. Review status: criteria provided, single submitter. Criteria: GeneDx Variant Classification Process June 2021. Collection method: clinical testing. Allele origin: germline. Affected: yes.
Comment: Has not been previously published as pathogenic or benign to our knowledge; In silico analysis indicates that this missense variant does not alter protein structure/function

Fulgent Genetics
Classification: Uncertain significance for Megacystis-microcolon-intestinal hypoperistalsis syndrome 1; Aortic aneurysm, familial thoracic 7. Last evaluated: 2021-10-05. Review status: criteria provided, single submitter. Criteria: ACMG Guidelines, 2015. Collection method: clinical testing. Allele origin: unknown.

Women's Health and Genetics/Laboratory Corporation of America, LabCorp
Classification: Uncertain significance. Last evaluated: 2020-11-02. Review status: criteria provided, single submitter. Criteria: LabCorp Variant Classification Summary - May 2015. Collection method: clinical testing. Allele origin: germline.
Comment: Variant summary: MYLK c.992C>T (p.Thr331Met) results in a non-conservative amino acid change in the encoded protein sequence. Four of five in-silico tools predict a benign effect of the variant on protein function. The variant allele was found at a frequency of 4.4e-05 in 248780 control chromosomes. This frequency is not significantly higher than expected for a pathogenic variant in MYLK causing Thoracic Aortic Aneurysms And Dissections (4.4e-05 vs 5e-05), allowing no conclusion about variant significance. To our knowledge, no occurrence of c.992C>T in individuals affected with Thoracic Aortic Aneurysms And Dissections and no experimental evidence demonstrating its impact on protein function have been reported. Two clinical diagnostic laboratories have submitted clinical-significance assessments for this variant to ClinVar after 2014 without evidence for independent evaluation. Both laboratories classified the variant as uncertain significance. Based on the evidence outlined above, the variant was classified as uncertain significance.

CHEO Genetics Diagnostic Laboratory, Children's Hospital of Eastern Ontario
Classification: Uncertain significance for Familial thoracic aortic aneurysm and aortic dissection. Last evaluated: 2017-11-07. Review status: criteria provided, single submitter. Criteria: ACMG Guidelines, 2015. Collection method: clinical testing. Allele origin: germline.